The following is an entry in ClinVar:

NM_004415.4(DSP):c.467T>C (p.Ile156Thr)

Gene: DSP (desmoplakin; plus strand). Cytogenetic location: 6p24.3.
Variant type: single nucleotide variant.
Coding change: c.467T>C on transcript NM_004415.4 (MANE Select); coding-DNA position 467, T replaced by C.
Protein change: p.Ile156Thr; replaces isoleucine 156 with threonine.
Molecular consequence: missense variant.
Genome position (GRCh38, 1-based): chr6:7,559,270, T>C. VCF-style: chr6-7559270-T-C. GRCh37 (hg19) VCF-style: chr6-7559503-T-C.
Other names: c.467T>C, p.Ile156Thr (NM_001008844.3, NM_001319034.2, NM_001406591.1); short protein forms I156T.
Identifiers: ClinVar variation 3842704 (VCV003842704.1).

ClinVar aggregate classification (germline): Uncertain significance (1 of 4 stars; one submission).

Conditions:
Cardiovascular phenotype. Identifiers: MedGen CN230736.

Submission:

Ambry Genetics
Classification: Uncertain significance for Cardiovascular phenotype. Last evaluated: 2025-03-03. Review status: criteria provided, single submitter. Criteria: Ambry Variant Classification Scheme 2023. Collection method: clinical testing. Allele origin: germline.
Comment: The p.I156T variant (also known as c.467T>C), located in coding exon 4 of the DSP gene, results from a T to C substitution at nucleotide position 467. The isoleucine at codon 156 is replaced by threonine, an amino acid with similar properties. This amino acid position is conserved. In addition, this alteration is predicted to be deleterious by in silico analysis. Based on the available evidence, the clinical significance of this variant remains unclear.